The following is an entry in ClinVar:

NM_001384900.1(SEMA3D):c.903G>A (p.Thr301=)

Gene: SEMA3D (semaphorin 3D; minus strand). Cytogenetic location: 7q21.11.
Variant type: single nucleotide variant.
Coding change: c.903G>A on transcript NM_001384900.1 (MANE Select); coding-DNA position 903, G replaced by A.
Protein change: p.Thr301=; no amino-acid change (threonine 301 retained).
Molecular consequence: synonymous variant.
Genome position (GRCh38, 1-based): chr7:85,042,244, C>T on the plus strand (G>A on the coding strand, the complement: SEMA3D is on the minus strand). VCF-style: chr7-85042244-C-T. GRCh37 (hg19) VCF-style: chr7-84671560-C-T.
Other names: c.903G>A, p.Thr301= (NM_001384901.1, NM_001384902.1, NM_001384903.1 and 1 more transcripts).
Identifiers: ClinVar variation 3047286 (VCV003047286.2), dbSNP rs372690453, ClinGen allele CA4323587.

ClinVar aggregate classification (germline): Likely benign (0 of 4 stars; one submission).

Conditions:
SEMA3D-related disorder. Also called: SEMA3D-related condition.

Allele frequency attached by ClinVar (database versions not stated): ExAC 0.00003; gnomAD 0.00005; TOPMed 0.00006; ESP Exome Variant Server 0.00015.
gnomAD v4.1: 32 of 1,613,328 alleles (0.002%); highest among the groups gnomAD compares: Admixed American, 0.0033%; no homozygotes.

Submission:

PreventionGenetics, part of Exact Sciences
Classification: Likely benign for SEMA3D-related condition. Last evaluated: 2019-03-11. Review status: no assertion criteria provided. Collection method: clinical testing. Allele origin: germline.
Comment: This variant is classified as likely benign based on ACMG/AMP sequence variant interpretation guidelines (Richards et al. 2015 PMID: 25741868, with internal and published modifications).